The following is an entry in ClinVar:

ClinVar aggregate classification (germline): Pathogenic (1 of 4 stars; one submission).

Submission:

Labcorp Genetics (formerly Invitae), Labcorp
Classification: Pathogenic. Last evaluated: 2023-01-02. Review status: criteria provided, single submitter. Criteria: Invitae Variant Classification Sherloc (09022015). Collection method: clinical testing. Allele origin: germline.
Comment: For these reasons, this variant has been classified as Pathogenic. This variant has not been reported in the literature in individuals affected with CARMIL2-related conditions. This variant is not present in population databases (gnomAD no frequency). This sequence change creates a premature translational stop signal (p.Gln1070*) in the CARMIL2 gene. It is expected to result in an absent or disrupted protein product. Loss-of-function variants in CARMIL2 are known to be pathogenic (PMID: 27647349, 28112205).

Literature cited by the submitters: PubMed 27647349; PubMed 28112205.

NM_001013838.3(CARMIL2):c.3208C>T (p.Gln1070Ter)

Gene: CARMIL2 (capping protein regulator and myosin 1 linker 2; plus strand). Cytogenetic location: 16q22.1.
Variant type: single nucleotide variant.
Coding change: c.3208C>T on transcript NM_001013838.3 (MANE Select); coding-DNA position 3208, C replaced by T.
Protein change: p.Gln1070Ter; replaces glutamine 1070 with a stop codon.
Molecular consequence: nonsense.
Genome position (GRCh38, 1-based): chr16:67,654,236, C>T. VCF-style: chr16-67654236-C-T. GRCh37 (hg19) VCF-style: chr16-67688139-C-T.
Other names: c.3100C>T, p.Gln1034Ter (NM_001317026.3); short protein forms Q1070*, Q1034*.
Identifiers: ClinVar variation 2029028 (VCV002029028.4), dbSNP rs866839255, ClinGen allele CA396344152.